The following is an entry in ClinVar:

ClinVar aggregate classification (germline): Uncertain significance (1 of 4 stars; one submission).

Conditions:
Hereditary cancer-predisposing syndrome. Also called: Neoplastic Syndromes, Hereditary; Tumor predisposition; Hereditary Cancer Syndrome; Hereditary neoplastic syndrome. Identifiers: Orphanet 140162, MedGen C0027672, MeSH D009386, MONDO:0015356.

Submission:

Ambry Genetics
Classification: Uncertain significance for Hereditary cancer-predisposing syndrome. Last evaluated: 2022-03-11. Review status: criteria provided, single submitter. Criteria: Ambry Variant Classification Scheme 2023. Collection method: clinical testing. Allele origin: germline.
Comment: The p.A1236T variant (also known as c.3706G>A), located in coding exon 8 of the MSH6 gene, results from a G to A substitution at nucleotide position 3706. The alanine at codon 1236 is replaced by threonine, an amino acid with similar properties. This amino acid position is well conserved in available vertebrate species. In addition, the in silico prediction for this alteration is inconclusive. Since supporting evidence is limited at this time, the clinical significance of this alteration remains unclear.

NM_000179.3(MSH6):c.3706G>A (p.Ala1236Thr)

Gene: MSH6 (mutS homolog 6; plus strand). Cytogenetic location: 2p16.3.
Variant type: single nucleotide variant.
Coding change: c.3706G>A on transcript NM_000179.3 (MANE Select); coding-DNA position 3706, G replaced by A.
Protein change: p.Ala1236Thr; replaces alanine 1236 with threonine.
Molecular consequence: missense variant.
Genome position (GRCh38, 1-based): chr2:47,806,263, G>A. VCF-style: chr2-47806263-G-A. GRCh37 (hg19) VCF-style: chr2-48033402-G-A.
Other names: c.3316G>A, p.Ala1106Thr (NM_001281492.2); c.2800G>A, p.Ala934Thr (NM_001281493.2, NM_001281494.2, NM_001406815.1 and 6 more transcripts); c.3802G>A, p.Ala1268Thr (NM_001406795.1, NM_001406802.1); c.3706G>A, p.Ala1236Thr (NM_001406796.1, NM_001406800.1, NM_001406808.1 and 1 more transcripts); c.3409G>A, p.Ala1137Thr (NM_001406797.1, NM_001406801.1, NM_001406818.1 and 10 more transcripts); c.3532G>A, p.Ala1178Thr (NM_001406798.1); c.3181G>A, p.Ala1061Thr (NM_001406799.1, NM_001406806.1, NM_001406807.1); c.2842G>A, p.Ala948Thr (NM_001406803.1); and 7 more; short protein forms A163T, A1106T, A1238T, A714T, A1137T, A1178T, A1236T, A1268T.
Identifiers: ClinVar variation 1734144 (VCV001734144.2), dbSNP rs1553333039, ClinGen allele CA346760989.